The following is an entry in ClinVar:

ClinVar aggregate classification (germline): Likely benign (1 of 4 stars; one submission).

Allele frequency attached by ClinVar (database versions not stated): gnomAD exomes below 0.00001; ExAC 0.00001; TOPMed 0.00001.
gnomAD v4.1: 5 of 1,614,034 alleles (0.00031%); highest among the groups gnomAD compares: South Asian, 0.0022%; no homozygotes.

Submission:

CeGaT Center for Human Genetics Tuebingen
Classification: Likely benign. Last evaluated: 2023-12-01. Review status: criteria provided, single submitter. Criteria: CeGaT Center For Human Genetics Tuebingen Variant Classification Criteria Version 2. Collection method: clinical testing. Allele origin: germline. Affected: yes. Observed: 1 variant allele.
Comment: SLIT3: BP4, BP7

NM_003062.4(SLIT3):c.804G>A (p.Ser268=)

Gene: SLIT3 (slit guidance ligand 3; minus strand). Cytogenetic location: 5q34.
Variant type: single nucleotide variant.
Coding change: c.804G>A on transcript NM_003062.4 (MANE Select); coding-DNA position 804, G replaced by A.
Protein change: p.Ser268=; no amino-acid change (serine 268 retained).
Molecular consequence: synonymous variant.
Genome position (GRCh38, 1-based): chr5:168,806,577, C>T on the plus strand (G>A on the coding strand, the complement: SLIT3 is on the minus strand). VCF-style: chr5-168806577-C-T. GRCh37 (hg19) VCF-style: chr5-168233582-C-T.
Other names: c.804G>A, p.Ser268= (NM_001271946.2).
Identifiers: ClinVar variation 3026026 (VCV003026026.22), dbSNP rs755653878, ClinGen allele CA3551985.